The following is an entry in ClinVar:

ClinVar aggregate classification (germline): Benign/Likely benign. Review status: criteria provided, multiple submitters, no conflicts (2 of 4 stars). 8 submissions from 8 submitters: Benign (1); Likely benign (6). 1 of the submissions does not count toward it. Last evaluated 2026-07-09.

Conditions:
Hereditary cancer-predisposing syndrome. Also called: Hereditary Cancer Syndrome; Tumor predisposition; Hereditary neoplastic syndrome; Neoplastic Syndromes, Hereditary. Identifiers: Orphanet 140162, MedGen C0027672, MeSH D009386, MONDO:0015356.
SMARCA4-related disorder. Also called: SMARCA4-related condition.
Rhabdoid tumor predisposition syndrome 2 (RTPS2). Identifiers: Orphanet 231108, Orphanet 69077, MedGen C2750074, MONDO:0013224, OMIM 613325.

Allele frequency attached by ClinVar (database versions not stated): gnomAD 0.00014 and 0.00013; 1000 Genomes Project 0.00020; gnomAD exomes 0.00004 and 0.00005; ExAC 0.00009; TOPMed 0.00015; 1000 Genomes Project 30x 0.00031.
gnomAD v4.1: 73 of 1,603,270 alleles (0.0046%); highest among the groups gnomAD compares: African/African-American, 0.04%; no homozygotes.

Submissions (8):

Myriad Genetics, Inc.
Classification: Benign for Rhabdoid tumor predisposition syndrome 2. Last evaluated: 2026-07-09. Review status: criteria provided, single submitter. Criteria: Myriad Autosomal Dominant, Autosomal Recessive and X-Linked Classification Criteria (2023). Collection method: clinical testing. Allele origin: unknown.
Comment: This variant is considered benign. This variant is a silent/synonymous amino acid change and it is not expected to impact splicing.

Labcorp Genetics (formerly Invitae), Labcorp
Classification: Likely benign for Rhabdoid tumor predisposition syndrome 2. Last evaluated: 2026-02-03. Review status: criteria provided, single submitter. Criteria: Invitae Variant Classification Sherloc (09022015). Collection method: clinical testing. Allele origin: germline.

CeGaT Center for Human Genetics Tuebingen
Classification: Likely benign. Last evaluated: 2025-01-01. Review status: criteria provided, single submitter. Criteria: CeGaT Center For Human Genetics Tuebingen Variant Classification Criteria Version 2. Collection method: clinical testing. Allele origin: germline. Affected: yes. Observed: 3 variant alleles.
Comment: SMARCA4: BP4, BP7

Sema4
Classification: Likely benign for Hereditary cancer-predisposing syndrome. Last evaluated: 2021-07-27. Review status: criteria provided, single submitter. Criteria: Sema4 Curation Guidelines. Collection method: curation. Allele origin: germline.

Genetic Services Laboratory, University of Chicago
Classification: Likely benign. Last evaluated: 2018-03-12. Review status: criteria provided, single submitter. Criteria: ACMG Guidelines, 2015. Collection method: clinical testing. Allele origin: germline. Affected: no.

Ambry Genetics
Classification: Likely benign for Hereditary cancer-predisposing syndrome. Last evaluated: 2015-09-17. Review status: criteria provided, single submitter. Criteria: Ambry Variant Classification Scheme 2023. Collection method: clinical testing. Allele origin: germline.

Breakthrough Genomics
Classification: Likely benign. Review status: criteria provided, single submitter. Criteria: ACMG Guidelines, 2015. Collection method: not provided. Allele origin: germline. Inheritance: Autosomal dominant inheritance. Affected: yes.

PreventionGenetics, part of Exact Sciences
Classification: Likely benign for SMARCA4-related condition. Last evaluated: 2022-09-13. Review status: no assertion criteria provided. Collection method: clinical testing. Allele origin: germline. Not counted in ClinVar's aggregate classification.
Comment: This variant is classified as likely benign based on ACMG/AMP sequence variant interpretation guidelines (Richards et al. 2015 PMID: 25741868, with internal and published modifications).

NM_003072.5(SMARCA4):c.999C>T (p.Pro333=)

Gene: SMARCA4 (SWI/SNF related BAF chromatin remodeling complex subunit ATPase 4; plus strand). Cytogenetic location: 19p13.2.
Variant type: single nucleotide variant.
Coding change: c.999C>T on transcript NM_003072.5 (MANE Select); coding-DNA position 999, C replaced by T.
Protein change: p.Pro333=; no amino-acid change (proline 333 retained).
Molecular consequence: synonymous variant. On other transcripts: non-coding transcript variant (1).
Genome position (GRCh38, 1-based): chr19:10,987,805, C>T. VCF-style: chr19-10987805-C-T. GRCh37 (hg19) VCF-style: chr19-11098481-C-T.
Other names: c.999C>T, p.Pro333= (NM_001128844.3, NM_001128845.2, NM_001128846.2 and 5 more transcripts).
Identifiers: ClinVar variation 238537 (VCV000238537.49), dbSNP rs538345417, ClinGen allele CA9203652.